The following is an entry in ClinVar:

NM_019032.6(ADAMTSL4):c.3202C>T (p.Arg1068Trp)

Gene: ADAMTSL4 (ADAMTS like 4; plus strand). Cytogenetic location: 1q21.2.
Variant type: single nucleotide variant.
Coding change: c.3202C>T on transcript NM_019032.6 (MANE Select); coding-DNA position 3202, C replaced by T.
Protein change: p.Arg1068Trp; replaces arginine 1068 with tryptophan.
Molecular consequence: missense variant.
Genome position (GRCh38, 1-based): chr1:150,560,173, C>T. VCF-style: chr1-150560173-C-T. GRCh37 (hg19) VCF-style: chr1-150532649-C-T.
Other names: c.3085C>T, p.Arg1029Trp (NM_001288607.2); c.3271C>T, p.Arg1091Trp (NM_001288608.2); c.3202C>T, p.Arg1068Trp (NM_001378596.1); short protein forms R1029W, R1091W, R1068W.
Identifiers: ClinVar variation 1514960 (VCV001514960.4), dbSNP rs376491237, ClinGen allele CA1078987.

ClinVar aggregate classification (germline): Uncertain significance (1 of 4 stars; one submission).

Allele frequency attached by ClinVar (database versions not stated): ExAC 0.00001; gnomAD exomes 0.00001; TOPMed 0.00001; gnomAD 0.00003; ESP Exome Variant Server 0.00008.
gnomAD v4.1: 27 of 1,613,934 alleles (0.0017%); highest among the groups gnomAD compares: African/African-American, 0.0027%; no homozygotes.

Submission:

Labcorp Genetics (formerly Invitae), Labcorp
Classification: Uncertain significance. Last evaluated: 2026-01-05. Review status: criteria provided, single submitter. Criteria: Invitae Variant Classification Sherloc (09022015). Collection method: clinical testing. Allele origin: germline.
Comment: This sequence change replaces arginine, which is basic and polar, with tryptophan, which is neutral and slightly polar, at codon 1068 of the ADAMTSL4 protein (p.Arg1068Trp). This variant is present in population databases (rs376491237, gnomAD 0.005%). This variant has not been reported in the literature in individuals affected with ADAMTSL4-related conditions. ClinVar contains an entry for this variant (Variation ID: 1514960). Invitae Evidence Modeling of protein sequence and biophysical properties (such as structural, functional, and spatial information, amino acid conservation, physicochemical variation, residue mobility, and thermodynamic stability) has been performed for this missense variant. However, the output from this modeling did not meet the statistical confidence thresholds required to predict the impact of this variant on ADAMTSL4 protein function. In summary, the available evidence is currently insufficient to determine the role of this variant in disease. Therefore, it has been classified as a Variant of Uncertain Significance.